The following is an entry in ClinVar:

ClinVar aggregate classification (germline): Likely benign. Review status: criteria provided, multiple submitters, no conflicts (2 of 4 stars). 8 submissions from 8 submitters: Likely benign (6). 2 of the submissions do not count toward it. Last evaluated 2025-08-21.

Conditions:
Cardiovascular phenotype. Identifiers: MedGen CN230736.
Cardiac arrhythmia. Also called: Cardiac rhythm disease; Arrhythmia. Identifiers: MedGen C0003811, MONDO:0007263, HP:0011675.
Long QT syndrome (LQTS). Identifiers: MedGen C0023976, MeSH D008133, MONDO:0002442. Disease mechanism: loss of function. Inheritance: Various modes of inheritance.

Allele frequency attached by ClinVar (database versions not stated): gnomAD 0.00002 and 0.00003; TOPMed 0.00003; gnomAD exomes 0.00004; ExAC 0.00005; 1000 Genomes Project 0.00040; 1000 Genomes Project 30x 0.00047.
gnomAD v4.1: 81 of 1,554,844 alleles (0.0052%); highest among the groups gnomAD compares: Middle Eastern, 0.05%; no homozygotes.

Submissions (8):

Labcorp Genetics (formerly Invitae), Labcorp
Classification: Likely benign for Long QT syndrome. Last evaluated: 2025-08-21. Review status: criteria provided, single submitter. Criteria: Invitae Variant Classification Sherloc (09022015). Collection method: clinical testing. Allele origin: germline.

All of Us Research Program, National Institutes of Health
Classification: Likely benign for Long QT syndrome. Last evaluated: 2024-09-23. Review status: criteria provided, single submitter. Criteria: ACMG Guidelines, 2015. Collection method: clinical testing. Allele origin: germline. Inheritance: Autosomal dominant inheritance. Observed: 19 variant alleles, 19 heterozygotes.
Comment: This study involves interpretation of variants in research participants for the purpose of population health screening. Participant phenotype was not available at the time of variant classification. Additional details can be found in publication PMID: 35346344, PMCID: PMC8962531

Blueprint Genetics
Classification: Likely benign. Last evaluated: 2024-03-06. Review status: criteria provided, single submitter. Criteria: ACMG Guidelines, 2015. Collection method: clinical testing. Allele origin: germline.

Ambry Genetics
Classification: Likely benign for Cardiovascular phenotype. Last evaluated: 2022-04-15. Review status: criteria provided, single submitter. Criteria: Ambry Variant Classification Scheme 2023. Collection method: clinical testing. Allele origin: germline.

GeneDx
Classification: Likely benign. Last evaluated: 2020-12-07. Review status: criteria provided, single submitter. Criteria: GeneDx Variant Classification Process June 2021. Collection method: clinical testing. Allele origin: germline. Affected: yes.
Comment: This variant is associated with the following publications: (PMID: 25351510)

Color Diagnostics, LLC DBA Color Health
Classification: Likely benign for Arrhythmia. Last evaluated: 2019-01-06. Review status: criteria provided, single submitter. Criteria: ACMG Guidelines, 2015. Collection method: clinical testing. Allele origin: germline.

Clinical Genetics DNA and cytogenetics Diagnostics Lab, Erasmus MC, Erasmus Medical Center
Classification: Likely benign. Review status: no assertion criteria provided. Collection method: clinical testing. Allele origin: germline. Affected: yes. Study: VKGL Data-share Consensus. Not counted in ClinVar's aggregate classification.

Clinical Genetics, Academic Medical Center
Classification: Benign. Review status: no assertion criteria provided. Collection method: clinical testing. Allele origin: germline. Affected: yes. Study: VKGL Data-share Consensus. Not counted in ClinVar's aggregate classification.

NM_000218.3(KCNQ1):c.1591-4G>A

Gene: KCNQ1 (potassium voltage-gated channel subfamily Q member 1; plus strand). Cytogenetic location: 11p15.5.
Variant type: single nucleotide variant.
Coding change: c.1591-4G>A on transcript NM_000218.3 (MANE Select); 4 bases into the intron before coding-DNA position 1591, G replaced by A.
Molecular consequence: intron variant.
Genome position (GRCh38, 1-based): chr11:2,775,956, G>A. VCF-style: chr11-2775956-G-A. GRCh37 (hg19) VCF-style: chr11-2797186-G-A.
Other names: c.1321-4G>A (NM_001406837.1); c.1495-4G>A (NM_001406836.1); c.1051-4G>A (NM_001406838.1); c.1210-4G>A (NM_181798.2).
Identifiers: ClinVar variation 506544 (VCV000506544.23), dbSNP rs555518358, ClinGen allele CA031368.